The following is an entry in ClinVar:

NM_003073.5(SMARCB1):c.229A>G (p.Lys77Glu)

Gene: SMARCB1 (SWI/SNF related BAF chromatin remodeling complex subunit B1; plus strand). Cytogenetic location: 22q11.23.
Variant type: single nucleotide variant.
Coding change: c.229A>G on transcript NM_003073.5 (MANE Select); coding-DNA position 229, A replaced by G.
Protein change: p.Lys77Glu; replaces lysine 77 with glutamic acid.
Molecular consequence: missense variant. On other transcripts: intron variant (2).
Genome position (GRCh38, 1-based): chr22:23,791,891, A>G. VCF-style: chr22-23791891-A-G. GRCh37 (hg19) VCF-style: chr22-24134078-A-G.
Other names: c.229A>G, p.Lys77Glu (NM_001362877.2); c.205+24A>G (NM_001317946.2, NM_001007468.3); short protein forms K77E.
Identifiers: ClinVar variation 3320808 (VCV003320808.1).
Genomic context (GRCh38, chr22:23,791,891, plus strand): 5'-GTGGAAGAGAGGAAGAAAATAGTTGCATCGTCACATGGTAAAAAAACAAAACCTAACACT[A>G]AGGGTGCGTCTTCACGAGGGTTTGTAAACCTGTTTCAAAACCACTCGCTTATGTCATGAA-3'
Protein context (NP_003064.2, residues 67-87): SHGKKTKPNT[Lys77Glu]DHGYTTLATS

ClinVar aggregate classification (germline): Uncertain significance (1 of 4 stars; one submission).

Conditions:
Hereditary cancer-predisposing syndrome. Also called: Neoplastic Syndromes, Hereditary; Tumor predisposition; Hereditary neoplastic syndrome; Hereditary Cancer Syndrome. Identifiers: Orphanet 140162, MedGen C0027672, MeSH D009386, MONDO:0015356.

Submission:

Ambry Genetics
Classification: Uncertain significance for Hereditary cancer-predisposing syndrome. Last evaluated: 2024-04-23. Review status: criteria provided, single submitter. Criteria: Ambry Variant Classification Scheme 2023. Collection method: clinical testing. Allele origin: germline.
Comment: The p.K77E variant (also known as c.229A>G), located in coding exon 2 of the SMARCB1 gene, results from an A to G substitution at nucleotide position 229. The lysine at codon 77 is replaced by glutamic acid, an amino acid with similar properties. This amino acid position is conserved. In addition, this alteration is predicted to be tolerated by in silico analysis. Based on the available evidence, the clinical significance of this variant remains unclear.